The following is an entry in ClinVar:

ClinVar aggregate classification (germline): Uncertain significance (1 of 4 stars; one submission).

Allele frequency attached by ClinVar (database versions not stated): ExAC 0.00002; gnomAD exomes 0.00002; TOPMed 0.00002; gnomAD 0.00004 and 0.00005; ESP Exome Variant Server 0.00008.
gnomAD v4.1: 13 of 1,608,656 alleles (0.00081%); highest among the groups gnomAD compares: African/African-American, 0.017%; no homozygotes.

Submission:

Labcorp Genetics (formerly Invitae), Labcorp
Classification: Uncertain significance. Last evaluated: 2022-07-25. Review status: criteria provided, single submitter. Criteria: Invitae Variant Classification Sherloc (09022015). Collection method: clinical testing. Allele origin: germline.
Comment: This sequence change replaces lysine, which is basic and polar, with threonine, which is neutral and polar, at codon 311 of the EFL1 protein (p.Lys311Thr). This variant is present in population databases (rs367688624, gnomAD 0.03%). This variant has not been reported in the literature in individuals affected with EFL1-related conditions. ClinVar contains an entry for this variant (Variation ID: 1359821). Algorithms developed to predict the effect of missense changes on protein structure and function are either unavailable or do not agree on the potential impact of this missense change (SIFT: "Deleterious"; PolyPhen-2: "Benign"; Align-GVGD: "Class C0"). In summary, the available evidence is currently insufficient to determine the role of this variant in disease. Therefore, it has been classified as a Variant of Uncertain Significance.

NM_024580.6(EFL1):c.932A>C (p.Lys311Thr)

Genes: EFL1 (elongation factor like GTPase 1; minus strand), LOC129390726 (MPRA-validated peak2402 silencer; plus strand). Cytogenetic location: 15q25.2.
Variant type: single nucleotide variant.
Coding change: c.932A>C on transcript NM_024580.6 (MANE Select); coding-DNA position 932, A replaced by C.
Protein change: p.Lys311Thr; replaces lysine 311 with threonine.
Molecular consequence: missense variant. On other transcripts: non-coding transcript variant (1).
Genome position (GRCh38, 1-based): chr15:82,229,034, T>G on the plus strand (A>C on the coding strand, the complement: EFL1 is on the minus strand). VCF-style: chr15-82229034-T-G. GRCh37 (hg19) VCF-style: chr15-82521375-T-G.
Other names: c.779A>C, p.Lys260Thr (NM_001040610.3); c.143A>C, p.Lys48Thr (NM_001322844.2); c.932A>C, p.Lys311Thr (NM_001322845.2); short protein forms K260T, K311T, K48T.
Identifiers: ClinVar variation 1359821 (VCV001359821.7), dbSNP rs367688624, ClinGen allele CA7698149.